The following is an entry in ClinVar:

ClinVar aggregate classification (germline): Uncertain significance (1 of 4 stars; one submission).

Conditions:
Charcot-Marie-Tooth disease axonal type 2O. Also called: CHARCOT-MARIE-TOOTH NEUROPATHY, AXONAL, TYPE 2O; CHARCOT-MARIE-TOOTH DISEASE, AXONAL, AUTOSOMAL DOMINANT, TYPE 2O; Charcot-Marie-Tooth Neuropathy Type 2O; Charcot-Marie-Tooth disease, axonal, type 20. Identifiers: Orphanet 284232, MedGen C3280220, MONDO:0013644, OMIM 614228.

Submission:

Labcorp Genetics (formerly Invitae), Labcorp
Classification: Uncertain significance for Charcot-Marie-Tooth disease axonal type 2O. Last evaluated: 2024-09-06. Review status: criteria provided, single submitter. Criteria: Invitae Variant Classification Sherloc (09022015). Collection method: clinical testing. Allele origin: germline.
Comment: This sequence change creates a premature translational stop signal (p.Arg3438*) in the DYNC1H1 gene. It is expected to result in an absent or disrupted protein product. However, the current clinical and genetic evidence is not sufficient to establish whether loss-of-function variants in DYNC1H1 cause disease. This variant is not present in population databases (gnomAD no frequency). This variant has not been reported in the literature in individuals affected with DYNC1H1-related conditions. ClinVar contains an entry for this variant (Variation ID: 2116496). In summary, the available evidence is currently insufficient to determine the role of this variant in disease. Therefore, it has been classified as a Variant of Uncertain Significance.

NM_001376.5(DYNC1H1):c.10312C>T (p.Arg3438Ter)

Gene: DYNC1H1 (dynein cytoplasmic 1 heavy chain 1; plus strand). Cytogenetic location: 14q32.31.
Variant type: single nucleotide variant.
Coding change: c.10312C>T on transcript NM_001376.5 (MANE Select); coding-DNA position 10312, C replaced by T.
Protein change: p.Arg3438Ter; replaces arginine 3438 with a stop codon.
Molecular consequence: nonsense.
Genome position (GRCh38, 1-based): chr14:102,033,383, C>T. VCF-style: chr14-102033383-C-T. GRCh37 (hg19) VCF-style: chr14-102499720-C-T.
Other names: short protein forms R3438*.
Identifiers: ClinVar variation 2116496 (VCV002116496.4), dbSNP rs2503823818, ClinGen allele CA391023950.